The following is an entry in ClinVar:

NM_022455.5(NSD1):c.851C>T (p.Ser284Phe)

Gene: NSD1 (nuclear receptor binding SET domain protein 1; plus strand). Cytogenetic location: 5q35.3.
Variant type: single nucleotide variant.
Coding change: c.851C>T on transcript NM_022455.5 (MANE Select); coding-DNA position 851, C replaced by T.
Protein change: p.Ser284Phe; replaces serine 284 with phenylalanine.
Molecular consequence: missense variant. On other transcripts: 5 prime UTR variant (7).
Genome position (GRCh38, 1-based): chr5:177,135,954, C>T. VCF-style: chr5-177135954-C-T. GRCh37 (hg19) VCF-style: chr5-176562955-C-T.
Other names: c.-23C>T (NM_001365684.2, NM_001409305.1, NM_001409306.1 and 4 more transcripts); c.851C>T, p.Ser284Phe (NM_001409301.1, NM_001409302.1, NM_001409303.1); c.431C>T, p.Ser144Phe (NM_001409304.1); short protein forms S144F, S284F.
Identifiers: ClinVar variation 4982315 (VCV004982315.1).
Genomic context (GRCh38, chr5:177,135,954, plus strand): 5'-ACATTACAATAGAAGAGCAATTAAACTCAATAAATTTATCTTTTCAGGATGATCCAGATT[C>T]CAGTACCAGTACATTAGGAAACATGCTAGAATTACCTGGAACTTCATCATCATCTACTTC-3'
Protein context (NP_071900.2, residues 274-294): INLSFQDDPD[Ser284Phe]STSTLGNMLE

ClinVar aggregate classification (germline): Uncertain significance (1 of 4 stars; one submission).

Conditions:
NSD1-related disorder. Also called: NSD1-related condition.

Submission:

PreventionGenetics, part of Exact Sciences
Classification: Uncertain significance for NSD1-related condition. Last evaluated: 2026-07-23. Review status: criteria provided, single submitter. Criteria: ACMG Guidelines, 2015. Collection method: clinical testing. Allele origin: germline.
Comment: The NSD1 c.851C>T variant is predicted to result in the amino acid substitution p.Ser284Phe. This variant was reported in a large cohort of individuals with congenital heart disease (reported as S15F in Table S4, Sierant et al. 2025. PubMed ID: 40127276). This variant has not been reported in a large population database (gnomAD), indicating this variant is rare. At this time, the clinical significance of this variant is uncertain due to the absence of conclusive functional and genetic evidence.